The following is an entry in ClinVar:

ClinVar aggregate classification (germline): Uncertain significance (1 of 4 stars; one submission).

Submission:

Labcorp Genetics (formerly Invitae), Labcorp
Classification: Uncertain significance. Last evaluated: 2024-11-18. Review status: criteria provided, single submitter. Criteria: Invitae Variant Classification Sherloc (09022015). Collection method: clinical testing. Allele origin: germline.
Comment: This sequence change falls in intron 3 of the MBD4 gene. It does not directly change the encoded amino acid sequence of the MBD4 protein. Information on the frequency of this variant in the gnomAD database is not available, as this variant may be reported differently in the database. This variant has not been reported in the literature in individuals affected with MBD4-related conditions. Experimental studies and prediction algorithms are not available or were not evaluated, and the effect of this variant on mRNA splicing is currently unknown. In summary, the available evidence is currently insufficient to determine the role of this variant in disease. Therefore, it has been classified as a Variant of Uncertain Significance.

NM_001276270.2(MBD4):c.1184-10_1184-9delinsAA

Gene: MBD4 (methyl-CpG binding domain 4, DNA glycosylase; minus strand). Cytogenetic location: 3q21.3.
Variant type: Indel.
Coding change: c.1184-10_1184-9delinsAA on transcript NM_001276270.2 (MANE Select); 10 bases into the intron before coding-DNA position 1184 through 9 bases into the intron before coding-DNA position 1184, TC replaced by AA.
Molecular consequence: intron variant.
Genome position (GRCh38, 1-based): chr3:129,434,145-129,434,146, GA replaced by TT on the plus strand (TC replaced by AA on the coding strand, the reverse complement: MBD4 is on the minus strand). VCF-style: chr3-129434145-GA-TT. GRCh37 (hg19) VCF-style: chr3-129152988-GA-TT.
Other names: c.248-10_248-9delinsAA (NM_001276273.2); c.1202-10_1202-9delinsAA (NM_001276272.2, NM_003925.3, NM_001276271.2).
Identifiers: ClinVar variation 3688401 (VCV003688401.2).